The following is an entry in ClinVar:

ClinVar aggregate classification (germline): Pathogenic (1 of 4 stars; one submission).

Conditions:
Hereditary cancer-predisposing syndrome. Also called: Neoplastic Syndromes, Hereditary; Tumor predisposition; Hereditary Cancer Syndrome; Hereditary neoplastic syndrome. Identifiers: Orphanet 140162, MedGen C0027672, MeSH D009386, MONDO:0015356.

Submission:

Ambry Genetics
Classification: Pathogenic for Hereditary cancer-predisposing syndrome. Last evaluated: 2019-07-17. Review status: criteria provided, single submitter. Criteria: Ambry Variant Classification Scheme 2023. Collection method: clinical testing. Allele origin: germline.
Comment: The c.1551delA pathogenic mutation, located in coding exon 4 of the PALB2 gene, results from a deletion of one nucleotide at nucleotide position 1551, causing a translational frameshift with a predicted alternate stop codon (p.K517Nfs*44). This alteration is expected to result in loss of function by premature protein truncation or nonsense-mediated mRNA decay. As such, this alteration is interpreted as a disease-causing mutation.

NM_024675.4(PALB2):c.1551del (p.Lys517fs)

Gene: PALB2 (partner and localizer of BRCA2; minus strand). Cytogenetic location: 16p12.2.
Variant type: Deletion.
Coding change: c.1551del on transcript NM_024675.4 (MANE Select); coding-DNA position 1551, one base deleted (A; older notation c.1551delA).
Protein change: p.Lys517fs; shifts the reading frame from lysine 517.
Molecular consequence: frameshift variant.
Genome position (GRCh38, 1-based): chr16:23,634,995, T deleted on the plus strand (A on the coding strand, the reverse complement: PALB2 is on the minus strand); the first of 4 consecutive T bases (chr16:23,634,995-23,634,998); deleting any one gives the same sequence. VCF-style (leftmost placement, unchanged base first): chr16-23634994-AT-A. GRCh37 (hg19) VCF-style: chr16-23646315-AT-A.
Other names: short protein forms K517fs.
Identifiers: ClinVar variation 819512 (VCV000819512.4), dbSNP rs1597095683, ClinGen allele CA915949202.
Genomic context (GRCh38, chr16:23,634,994, plus strand): 5'-TCGACAGGCTAGAAGTTGGCAAAAGTGGTTCACAATGATCTGATGCTGGGGTGCAGGCTG[AT>A]TTTCTTTTTCCTGTGTATCTTCTACCAGGTGCTTGGGCAACTGCCTTCCTAGACAAGTCA-3'